The following is an entry in ClinVar:

ClinVar aggregate classification (germline): Uncertain significance (1 of 4 stars; one submission).

Conditions:
Hereditary cancer-predisposing syndrome. Also called: Neoplastic Syndromes, Hereditary; Tumor predisposition; Hereditary Cancer Syndrome; Hereditary neoplastic syndrome. Identifiers: Orphanet 140162, MedGen C0027672, MeSH D009386, MONDO:0015356.

Submission:

Ambry Genetics
Classification: Uncertain significance for Hereditary cancer-predisposing syndrome. Last evaluated: 2026-02-24. Review status: criteria provided, single submitter. Criteria: Ambry Variant Classification Scheme 2023. Collection method: clinical testing. Allele origin: germline.
Comment: The p.H60R variant (also known as c.179A>G), located in coding exon 3 of the XRCC2 gene, results from an A to G substitution at nucleotide position 179. The histidine at codon 60 is replaced by arginine, an amino acid with highly similar properties. This amino acid position is conserved. In addition, the in silico prediction for this alteration is inconclusive. Based on the available evidence, the clinical significance of this variant remains unclear.

NM_005431.2(XRCC2):c.179A>G (p.His60Arg)

Gene: XRCC2 (X-ray repair cross complementing 2; minus strand). Cytogenetic location: 7q36.1.
Variant type: single nucleotide variant.
Coding change: c.179A>G on transcript NM_005431.2 (MANE Select); coding-DNA position 179, A replaced by G.
Protein change: p.His60Arg; replaces histidine 60 with arginine.
Molecular consequence: missense variant.
Genome position (GRCh38, 1-based): chr7:152,649,306, T>C on the plus strand (A>G on the coding strand, the complement: XRCC2 is on the minus strand). VCF-style: chr7-152649306-T-C. GRCh37 (hg19) VCF-style: chr7-152346391-T-C.
Other names: short protein forms H60R.
Identifiers: ClinVar variation 4842513 (VCV004842513.1).